The following is an entry in ClinVar:

ClinVar aggregate classification (germline): Pathogenic (1 of 4 stars; one submission).

Submission:

GeneDx
Classification: Pathogenic. Last evaluated: 2015-08-18. Review status: criteria provided, single submitter. Criteria: GeneDx Variant Classification (06012015). Collection method: clinical testing. Allele origin: germline. Affected: yes.
Comment: The Q856X nonsense mutation in the JAG1 gene has been reported previously in association with Alagille syndrome (RÃ¶pke et al., 2003). This mutation is predicted to cause loss of normal protein function either through protein truncation or nonsense-mediated mRNA decay.

NM_000214.3(JAG1):c.2566C>T (p.Gln856Ter)

Gene: JAG1 (jagged canonical Notch ligand 1; minus strand). Cytogenetic location: 20p12.2.
Variant type: single nucleotide variant.
Coding change: c.2566C>T on transcript NM_000214.3 (MANE Select); coding-DNA position 2566, C replaced by T.
Protein change: p.Gln856Ter; replaces glutamine 856 with a stop codon.
Molecular consequence: nonsense.
Genome position (GRCh38, 1-based): chr20:10,642,494, G>A on the plus strand (C>T on the coding strand, the complement: JAG1 is on the minus strand). VCF-style: chr20-10642494-G-A. GRCh37 (hg19) VCF-style: chr20-10623142-G-A.
Other names: c.2566C>T, p.Gln856Ter (LRG_1191t1); short protein forms Q856*.
Identifiers: ClinVar variation 234522 (VCV000234522.2), dbSNP rs876661061, ClinGen allele CA10577606.